The following is an entry in ClinVar:

NM_000443.4(ABCB4):c.1283T>A (p.Val428Asp)

Gene: ABCB4 (ATP binding cassette subfamily B member 4; minus strand). Cytogenetic location: 7q21.12.
Variant type: single nucleotide variant.
Coding change: c.1283T>A on transcript NM_000443.4 (MANE Select); coding-DNA position 1283, T replaced by A.
Protein change: p.Val428Asp; replaces valine 428 with aspartic acid.
Molecular consequence: missense variant.
Genome position (GRCh38, 1-based): chr7:87,443,392, A>T on the plus strand (T>A on the coding strand, the complement: ABCB4 is on the minus strand). VCF-style: chr7-87443392-A-T. GRCh37 (hg19) VCF-style: chr7-87072708-A-T.
Other names: c.1283T>A, p.Val428Asp (NM_018849.3, NM_018850.3); short protein forms V428D.
Identifiers: ClinVar variation 871119 (VCV000871119.43), dbSNP rs1811114545, ClinGen allele CA368043994.
Genomic context (GRCh38, chr7:87,443,392, plus strand): 5'-GGGTCATAGAGCCTCTGTATCAGCTGGACCGTTGTGCTCTTCCCACAGCCACTACTTCCA[A>T]CCAGGGCCACCGTCTGCCCACTCTGCACCTTCAGGTTGAGGCCCTTCAAGATCTGTAAGG-3'
Protein context (NP_000434.1, residues 418-438): KVQSGQTVAL[Val428Asp]GSSGCGKSTT

ClinVar aggregate classification (germline): Conflicting classifications of pathogenicity. Review status: criteria provided, conflicting classifications (1 of 4 stars). 3 submissions from 3 submitters: Likely pathogenic (2); Uncertain significance (1). Last evaluated 2026-04-14.

Conditions:
Low phospholipid associated cholelithiasis (GBD1). Also called: Gallbladder disease 1; Gallstone cholecystitis. Identifiers: Orphanet 69663, MedGen C2609268, MONDO:0010939, OMIM 600803.
Familial intrahepatic cholestasis. Identifiers: Orphanet 284385, MedGen CN296401, MONDO:0017290.
Progressive familial intrahepatic cholestasis type 3. Also called: Low Gamma-GT Familial Intrahepatic Cholestasis; MDR3 DEFICIENCY. Identifiers: Orphanet 79305, MedGen C1865643, MONDO:0011214, OMIM 602347.

Submissions (3):

Genomenon, Inc
Classification: Uncertain significance for Familial intrahepatic cholestasis; Low phospholipid associated cholelithiasis. Last evaluated: 2026-04-14. Review status: criteria provided, single submitter. Criteria: Genomenon Sequence Variant Interpretation Standards - Updated. Collection method: curation. Allele origin: germline. Affected: no.
Comment: ABCB4 p.Val428Asp (c.1283T>A) is a missense variant that changes the amino acid at residue 428 from Valine to Aspartic acid. This variant has been reported in the published literature (PMID:28733223;36111625). It is absent or not present at a significant frequency in gnomAD. In silico models predict that this variant is possibly or probably damaging. In conclusion, we classify ABCB4 p.Val428Asp (c.1283T>A) as a variant of uncertain significance.

CeGaT Center for Human Genetics Tuebingen
Classification: Likely pathogenic. Last evaluated: 2026-01-01. Review status: criteria provided, single submitter. Criteria: CeGaT Center For Human Genetics Tuebingen Variant Classification Criteria Version 2. Collection method: clinical testing. Allele origin: germline. Affected: yes. Observed: 4 variant alleles.
Comment: ABCB4: PP4:Strong, PM2, PM5, PM3:Supporting

Department of Human Genetics, Hannover Medical School
Classification: Likely pathogenic for Progressive familial intrahepatic cholestasis type 3. Last evaluated: 2021-11-10. Review status: criteria provided, single submitter. Criteria: ACMG Guidelines, 2015. Collection method: clinical testing. Allele origin: germline. Inheritance: Autosomal recessive inheritance. Affected: yes.

Literature cited by the submitters: PubMed 28733223 (cited by Genomenon, Inc); PubMed 36111625 (cited by Genomenon, Inc).